The following is an entry in ClinVar:

ClinVar aggregate classification (germline): Likely benign. Review status: criteria provided, multiple submitters, no conflicts (2 of 4 stars). 2 submissions from 2 submitters: Likely benign (2). Last evaluated 2018-06-19.

Allele frequency attached by ClinVar (database versions not stated): gnomAD 0.00388 and 0.00409; 1000 Genomes Project 0.00399; TOPMed 0.00436; 1000 Genomes Project 30x 0.00453.
gnomAD v4.1: 1,151 of 567,312 alleles (0.2%); highest among the groups gnomAD compares: African/African-American, 1.1%; 5 homozygotes.

Submissions (2):

GeneDx
Classification: Likely benign. Last evaluated: 2018-06-19. Review status: criteria provided, single submitter. Criteria: GeneDx Variant Classification (06012015). Collection method: clinical testing. Allele origin: germline. Affected: yes.
Comment: This variant is considered likely benign or benign based on one or more of the following criteria: it is a conservative change, it occurs at a poorly conserved position in the protein, it is predicted to be benign by multiple in silico algorithms, and/or has population frequency not consistent with disease.

Breakthrough Genomics
Classification: Likely benign. Review status: criteria provided, single submitter. Criteria: ACMG Guidelines, 2015. Collection method: not provided. Allele origin: germline. Inheritance: Autosomal recessive inheritance. Affected: yes.

NM_001377299.1(NDUFS2):c.1117-187G>A

Gene: NDUFS2 (NADH:ubiquinone oxidoreductase core subunit S2; plus strand). Cytogenetic location: 1q23.3.
Variant type: single nucleotide variant.
Coding change: c.1117-187G>A on transcript NM_001377299.1 (MANE Select); 187 bases into the intron before coding-DNA position 1117, G replaced by A.
Molecular consequence: intron variant.
Genome position (GRCh38, 1-based): chr1:161,213,193, G>A. VCF-style: chr1-161213193-G-A. GRCh37 (hg19) VCF-style: chr1-161182983-G-A.
Other names: c.1117-187G>A (NM_001377300.1, NM_001377298.1, NM_001377301.1 and 3 more transcripts).
Identifiers: ClinVar variation 674171 (VCV000674171.2), dbSNP rs77002109, ClinGen allele CA31676048.
Genomic context (GRCh38, chr1:161,213,193, plus strand): 5'-GACCTCTTGATCTGCCCACCTCAGCCTCCCAAAGTGCTGGAATTACAAGCGTGAGTCACC[G>A]CACCCGGCCATATAAGAGATTCTTAATCTCCCATAGCTCTCCTGTTTTATTCTGTATCCT-3'